The following is an entry in ClinVar:

NM_024996.7(GFM1):c.193C>T (p.Arg65Ter)

Gene: GFM1 (G elongation factor mitochondrial 1; plus strand). Cytogenetic location: 3q25.32.
Variant type: single nucleotide variant.
Coding change: c.193C>T on transcript NM_024996.7 (MANE Select); coding-DNA position 193, C replaced by T.
Protein change: p.Arg65Ter; replaces arginine 65 with a stop codon.
Molecular consequence: nonsense. On other transcripts: 5 prime UTR variant (4), non-coding transcript variant (4).
Genome position (GRCh38, 1-based): chr3:158,645,740, C>T. VCF-style: chr3-158645740-C-T. GRCh37 (hg19) VCF-style: chr3-158363529-C-T.
Other names: c.193C>T, p.Arg65Ter (NM_001308164.2, NM_001308166.2, NM_001374355.1 and 2 more transcripts); c.-33C>T (NM_001374357.1); c.-37C>T (NM_001374359.1, NM_001374360.1, NM_001374361.1); short protein forms R65*.
Identifiers: ClinVar variation 644188 (VCV000644188.8), dbSNP rs62286651, ClinGen allele CA2682244.

ClinVar aggregate classification (germline): Pathogenic/Likely pathogenic. Review status: criteria provided, multiple submitters, no conflicts (2 of 4 stars). 3 submissions from 3 submitters: Pathogenic (2); Likely pathogenic (1). Last evaluated 2025-08-25.

Conditions:
Hepatoencephalopathy due to combined oxidative phosphorylation defect type 1. Also called: HEPATOENCEPHALOPATHY, EARLY FATAL PROGRESSIVE. Identifiers: Orphanet 137681, MedGen C1836797, MONDO:0012191, OMIM 609060.

gnomAD v4.1: 9 of 1,611,852 alleles (0.00056%); highest among the groups gnomAD compares: Admixed American, 0.0017%; no homozygotes.

Submissions (3):

Natera, Inc.
Classification: Likely pathogenic for Combined oxidative phosphorylation deficiency 1. Last evaluated: 2025-08-25. Review status: criteria provided, single submitter. Criteria: Natera Variant Classification Schema (03/2026). Collection method: clinical testing. Allele origin: germline.
Comment: The c.193C>T variant in GFM1 is a nonsense variant predicted to introduce a stop codon at amino acid 65. This variant is expected to result in nonsense mediated decay, truncation, or a dysfunctional protein product. This variant is rare in the general population with a frequency below the threshold expected for the associated phenotype(s). Given the available evidence, this variant is classified as Likely Pathogenic.

Labcorp Genetics (formerly Invitae), Labcorp
Classification: Pathogenic. Last evaluated: 2025-07-02. Review status: criteria provided, single submitter. Criteria: Invitae Variant Classification Sherloc (09022015). Collection method: clinical testing. Allele origin: germline.
Comment: This sequence change creates a premature translational stop signal (p.Arg65*) in the GFM1 gene. It is expected to result in an absent or disrupted protein product. Loss-of-function variants in GFM1 are known to be pathogenic (PMID: 16632485, 17160893). This variant is present in population databases (rs62286651, gnomAD 0.004%). This variant has not been reported in the literature in individuals affected with GFM1-related conditions. ClinVar contains an entry for this variant (Variation ID: 644188). For these reasons, this variant has been classified as Pathogenic.

Baylor Genetics
Classification: Pathogenic for Hepatoencephalopathy due to combined oxidative phosphorylation defect type 1. Last evaluated: 2022-08-23. Review status: criteria provided, single submitter. Criteria: ACMG Guidelines, 2015. Collection method: clinical testing. Allele origin: unknown.

Literature cited by the submitters: PubMed 16632485 (cited by Labcorp Genetics (formerly Invitae), Labcorp); PubMed 17160893 (cited by Labcorp Genetics (formerly Invitae), Labcorp).